The following is an entry in ClinVar:

NM_001200.4(BMP2):c.685G>T (p.Glu229Ter)

Gene: BMP2 (bone morphogenetic protein 2; plus strand). Cytogenetic location: 20p12.3.
Variant type: single nucleotide variant.
Coding change: c.685G>T on transcript NM_001200.4 (MANE Select); coding-DNA position 685, G replaced by T.
Protein change: p.Glu229Ter; replaces glutamic acid 229 with a stop codon.
Molecular consequence: nonsense.
Genome position (GRCh38, 1-based): chr20:6,778,583, G>T. VCF-style: chr20-6778583-G-T. GRCh37 (hg19) VCF-style: chr20-6759230-G-T.
Other names: c.685G>T (NM_001200.2); short protein forms E229*.
Identifiers: ClinVar variation 2087633 (VCV002087633.5), dbSNP rs2514426680, ClinGen allele CA408258876.

ClinVar aggregate classification (germline): Pathogenic/Likely pathogenic. Review status: criteria provided, multiple submitters, no conflicts (2 of 4 stars). 2 submissions from 2 submitters: Pathogenic (1); Likely pathogenic (1). Last evaluated 2025-03-10.

Submissions (2):

GeneDx
Classification: Likely pathogenic. Last evaluated: 2025-03-10. Review status: criteria provided, single submitter. Criteria: GeneDx Variant Classification Process June 2021. Collection method: clinical testing. Allele origin: germline. Affected: yes.
Comment: Nonsense variant predicted to result in protein truncation, as the last 168 amino acids are lost, and other loss-of-function variants have been reported downstream; Reported as a molecular diagnosis in an individual with skeletal dysplasia or other skeletal disorder; detailed patient-specific information was not provided (PMID: 38702915); Not observed at significant frequency in large population cohorts (gnomAD); This variant is associated with the following publications: (PMID: 29198724, 38702915)

Labcorp Genetics (formerly Invitae), Labcorp
Classification: Pathogenic. Last evaluated: 2023-12-06. Review status: criteria provided, single submitter. Criteria: Invitae Variant Classification Sherloc (09022015). Collection method: clinical testing. Allele origin: germline.
Comment: This sequence change creates a premature translational stop signal (p.Glu229*) in the BMP2 gene. While this is not anticipated to result in nonsense mediated decay, it is expected to disrupt the last 168 amino acid(s) of the BMP2 protein. This variant is not present in population databases (gnomAD no frequency). This variant has not been reported in the literature in individuals affected with BMP2-related conditions. ClinVar contains an entry for this variant (Variation ID: 2087633). This variant disrupts a region of the BMP2 protein in which other variant(s) (p.Cys329*) have been determined to be pathogenic (PMID: 29198724). This suggests that this is a clinically significant region of the protein, and that variants that disrupt it are likely to be disease-causing. For these reasons, this variant has been classified as Pathogenic.

Literature cited by the submitters: PubMed 29198724 (cited by Labcorp Genetics (formerly Invitae), Labcorp).